The following is an entry in ClinVar:

ClinVar aggregate classification (germline): Uncertain significance (1 of 4 stars; one submission).

Conditions:
Glanzmann thrombasthenia. Also called: BLEEDING DISORDER, PLATELET-TYPE, 2; THROMBASTHENIA OF GLANZMANN AND NAEGELI; PLATELET GLYCOPROTEIN IIb-IIIa DEFICIENCY; Thrombasthenia; Glanzmann's thrombasthenia. Identifiers: Orphanet 849, MedGen C0040015, MONDO:0100326.

Allele frequency attached by ClinVar (database versions not stated): gnomAD exomes below 0.00001.
gnomAD v4.1: 3 of 1,613,488 alleles (0.00019%); highest among the groups gnomAD compares: Non-Finnish European, 0.00025%; no homozygotes.

Submission:

Labcorp Genetics (formerly Invitae), Labcorp
Classification: Uncertain significance for Glanzmann thrombasthenia. Last evaluated: 2022-01-11. Review status: criteria provided, single submitter. Criteria: Invitae Variant Classification Sherloc (09022015). Collection method: clinical testing. Allele origin: germline.
Comment: This sequence change replaces leucine, which is neutral and non-polar, with arginine, which is basic and polar, at codon 424 of the ITGA2B protein (p.Leu424Arg). This variant is not present in population databases (gnomAD no frequency). This variant has not been reported in the literature in individuals affected with ITGA2B-related conditions. Algorithms developed to predict the effect of missense changes on protein structure and function output the following: SIFT: "Tolerated"; PolyPhen-2: "Benign"; Align-GVGD: "Class C0". The arginine amino acid residue is found in multiple mammalian species, which suggests that this missense change does not adversely affect protein function. In summary, the available evidence is currently insufficient to determine the role of this variant in disease. Therefore, it has been classified as a Variant of Uncertain Significance.

NM_000419.5(ITGA2B):c.1271T>G (p.Leu424Arg)

Gene: ITGA2B (integrin subunit alpha 2b; minus strand). Cytogenetic location: 17q21.31.
Variant type: single nucleotide variant.
Coding change: c.1271T>G on transcript NM_000419.5 (MANE Select); coding-DNA position 1271, T replaced by G.
Protein change: p.Leu424Arg; replaces leucine 424 with arginine.
Molecular consequence: missense variant.
Genome position (GRCh38, 1-based): chr17:44,381,001, A>C on the plus strand (T>G on the coding strand, the complement: ITGA2B is on the minus strand). VCF-style: chr17-44381001-A-C. GRCh37 (hg19) VCF-style: chr17-42458369-A-C.
Other names: short protein forms L424R.
Identifiers: ClinVar variation 2078810 (VCV002078810.4), dbSNP rs2510080546, ClinGen allele CA399803709.